The following is an entry in ClinVar:

NM_006218.4(PIK3CA):c.1819C>T (p.Pro607Ser)

Gene: PIK3CA (phosphatidylinositol-4,5-bisphosphate 3-kinase catalytic subunit alpha; plus strand). Cytogenetic location: 3q26.32.
Variant type: single nucleotide variant.
Coding change: c.1819C>T on transcript NM_006218.4 (MANE Select); coding-DNA position 1819, C replaced by T.
Protein change: p.Pro607Ser; replaces proline 607 with serine.
Molecular consequence: missense variant.
Genome position (GRCh38, 1-based): chr3:179,219,643, C>T. VCF-style: chr3-179219643-C-T. GRCh37 (hg19) VCF-style: chr3-178937431-C-T.
Other names: short protein forms P607S.
Identifiers: ClinVar variation 1306083 (VCV001306083.2), dbSNP rs2108410891, ClinGen allele CA355266338.

ClinVar aggregate classification (germline): Uncertain significance (1 of 4 stars; one submission).

Submission:

GeneDx
Classification: Uncertain significance. Last evaluated: 2020-02-11. Review status: criteria provided, single submitter. Criteria: GeneDx Variant Classification Process June 2021. Collection method: clinical testing. Allele origin: germline. Affected: yes.
Comment: Not observed in large population cohorts (Lek et al., 2016); In silico analysis, which includes protein predictors and evolutionary conservation, supports a deleterious effect; Has not been previously published as pathogenic or benign to our knowledge